The following is an entry in ClinVar:

NC_000007.13:g.(?_16131320)_(16460947_?)del

Gene: CRPPA (CDP-L-ribitol pyrophosphorylase A; minus strand). Cytogenetic location: 7p21.2.
Variant type: Deletion.
Identifiers: ClinVar variation 2423714 (VCV002423714.4).

ClinVar aggregate classification (germline): Pathogenic (1 of 4 stars; one submission).

Conditions:
Muscular dystrophy-dystroglycanopathy (congenital with brain and eye anomalies), type A, 7. Also called: WALKER-WARBURG SYNDROME OR MUSCLE-EYE-BRAIN DISEASE, ISPD-RELATED; Congenital muscular dystrophy-dystroglycanopathy with brain and eye anomalies, type A7. Identifiers: Orphanet 899, MedGen C3553330, MONDO:0013835, OMIM 614643.
Autosomal recessive limb-girdle muscular dystrophy type 2U. Also called: Muscular dystrophy-dystroglycanopathy (limb-girdle), type c, 7; MUSCULAR DYSTROPHY, LIMB-GIRDLE, TYPE 2U. Identifiers: Orphanet 352479, MedGen C5190987, MONDO:0014474, OMIM 616052.

Submission:

Labcorp Genetics (formerly Invitae), Labcorp
Classification: Pathogenic for Muscular dystrophy-dystroglycanopathy (congenital with brain and eye anomalies), type A, 7; Autosomal recessive limb-girdle muscular dystrophy type 2U. Last evaluated: 2022-08-16. Review status: criteria provided, single submitter. Criteria: Invitae Variant Classification Sherloc (09022015). Collection method: clinical testing. Allele origin: germline.
Comment: A gross deletion of the genomic region encompassing the full coding sequence of the ISPD gene has been identified. Loss-of-function variants in ISPD are known to be pathogenic (PMID: 23288328). The boundaries of this event are unknown as they extend beyond the assayed region for this gene and therefore may encompass additional genes. This variant has not been reported in the literature in individuals affected with ISPD-related conditions. For these reasons, this variant has been classified as Pathogenic.

Literature cited by the submitters: PubMed 23288328.